The following is an entry in ClinVar:

NM_015512.5(DNAH1):c.1268G>A (p.Arg423Gln)

Gene: DNAH1 (dynein axonemal heavy chain 1; plus strand). Cytogenetic location: 3p21.1.
Variant type: single nucleotide variant.
Coding change: c.1268G>A on transcript NM_015512.5 (MANE Select); coding-DNA position 1268, G replaced by A.
Protein change: p.Arg423Gln; replaces arginine 423 with glutamine.
Molecular consequence: missense variant.
Genome position (GRCh38, 1-based): chr3:52,332,376, G>A. VCF-style: chr3-52332376-G-A. GRCh37 (hg19) VCF-style: chr3-52366392-G-A.
Other names: short protein forms R423Q.
Identifiers: ClinVar variation 835671 (VCV000835671.11), dbSNP rs761468870, ClinGen allele CA2432910.

ClinVar aggregate classification (germline): Uncertain significance. Review status: criteria provided, multiple submitters, no conflicts (2 of 4 stars). 3 submissions from 3 submitters: Uncertain significance (3). Last evaluated 2025-08-25.

Conditions:
Spermatogenic failure 18. Identifiers: MedGen C4539783, MONDO:0054615, OMIM 617576.
Ciliary dyskinesia, primary, 37 (CILD37). Also called: CILIARY DYSKINESIA, PRIMARY, 37, WITH OR WITHOUT SITUS INVERSUS. Identifiers: MedGen C4539798, MONDO:0033204, OMIM 617577.

Allele frequency attached by ClinVar (database versions not stated): gnomAD 0.00003; gnomAD exomes 0.00003 and 0.00007; TOPMed 0.00003; ExAC 0.00004.
gnomAD v4.1: 51 of 1,613,390 alleles (0.0032%); highest among the groups gnomAD compares: Admixed American, 0.018%; no homozygotes.

Submissions (3):

Ambry Genetics
Classification: Uncertain significance. Last evaluated: 2025-08-25. Review status: criteria provided, single submitter. Criteria: Ambry Variant Classification Scheme 2023. Collection method: clinical testing. Allele origin: germline.

Labcorp Genetics (formerly Invitae), Labcorp
Classification: Uncertain significance for Ciliary dyskinesia, primary, 37; Spermatogenic failure 18. Last evaluated: 2025-07-10. Review status: criteria provided, single submitter. Criteria: Invitae Variant Classification Sherloc (09022015). Collection method: clinical testing. Allele origin: germline.
Comment: This sequence change replaces arginine, which is basic and polar, with glutamine, which is neutral and polar, at codon 423 of the DNAH1 protein (p.Arg423Gln). This variant is present in population databases (rs761468870, gnomAD 0.03%). This variant has not been reported in the literature in individuals affected with DNAH1-related conditions. ClinVar contains an entry for this variant (Variation ID: 835671). An algorithm developed to predict the effect of missense changes on protein structure and function (PolyPhen-2) suggests that this variant is likely to be tolerated. In summary, the available evidence is currently insufficient to determine the role of this variant in disease. Therefore, it has been classified as a Variant of Uncertain Significance.

Blueprint Genetics
Classification: Uncertain significance. Last evaluated: 2024-09-08. Review status: criteria provided, single submitter. Criteria: ACMG Guidelines, 2015. Collection method: clinical testing. Allele origin: germline.